The following is an entry in ClinVar:

NM_006516.4(SLC2A1):c.1236G>T (p.Trp412Cys)

Gene: SLC2A1 (solute carrier family 2 member 1; minus strand). Cytogenetic location: 1p34.2.
Variant type: single nucleotide variant.
Coding change: c.1236G>T on transcript NM_006516.4 (MANE Select); coding-DNA position 1236, G replaced by T.
Protein change: p.Trp412Cys; replaces tryptophan 412 with cysteine.
Molecular consequence: missense variant.
Genome position (GRCh38, 1-based): chr1:42,927,647, C>A on the plus strand (G>T on the coding strand, the complement: SLC2A1 is on the minus strand). VCF-style: chr1-42927647-C-A. GRCh37 (hg19) VCF-style: chr1-43393318-C-A.
Other names: short protein forms W412C.
Identifiers: ClinVar variation 2097332 (VCV002097332.4), dbSNP rs1557645002, ClinGen allele CA339953695.

ClinVar aggregate classification (germline): Uncertain significance (1 of 4 stars; one submission).

Conditions:
GLUT1 deficiency syndrome 1, autosomal recessive. Identifiers: MedGen C3149117.

Submission:

Labcorp Genetics (formerly Invitae), Labcorp
Classification: Uncertain significance for GLUT1 deficiency syndrome 1, autosomal recessive. Last evaluated: 2022-11-17. Review status: criteria provided, single submitter. Criteria: Invitae Variant Classification Sherloc (09022015). Collection method: clinical testing. Allele origin: germline.
Comment: This sequence change replaces tryptophan, which is neutral and slightly polar, with cysteine, which is neutral and slightly polar, at codon 412 of the SLC2A1 protein (p.Trp412Cys). This variant is not present in population databases (gnomAD no frequency). This variant has not been reported in the literature in individuals affected with SLC2A1-related conditions. Advanced modeling of protein sequence and biophysical properties (such as structural, functional, and spatial information, amino acid conservation, physicochemical variation, residue mobility, and thermodynamic stability) performed at Invitae indicates that this missense variant is expected to disrupt SLC2A1 protein function. In summary, the available evidence is currently insufficient to determine the role of this variant in disease. Therefore, it has been classified as a Variant of Uncertain Significance.